The following is an entry in ClinVar:

NM_177438.3(DICER1):c.1013A>C (p.Glu338Ala)

Gene: DICER1 (dicer 1, ribonuclease III; minus strand). Cytogenetic location: 14q32.13.
Variant type: single nucleotide variant.
Coding change: c.1013A>C on transcript NM_177438.3 (MANE Select); coding-DNA position 1013, A replaced by C.
Protein change: p.Glu338Ala; replaces glutamic acid 338 with alanine.
Molecular consequence: missense variant.
Genome position (GRCh38, 1-based): chr14:95,124,559, T>G on the plus strand (A>C on the coding strand, the complement: DICER1 is on the minus strand). VCF-style: chr14-95124559-T-G. GRCh37 (hg19) VCF-style: chr14-95590896-T-G.
Other names: NM_177438.3(DICER1):c.1013A>C; p.Glu338Ala; c.1013A>C, p.Glu338Ala (NM_001195573.1, NM_001271282.3, NM_001291628.2 and 1 more transcripts); short protein forms E338A.
Identifiers: ClinVar variation 133975 (VCV000133975.19), dbSNP rs587778232, ClinGen allele CA158285.

ClinVar aggregate classification (germline): Likely benign. Review status: reviewed by expert panel (3 of 4 stars). 5 submissions from 5 submitters: Likely benign (1). 4 of the submissions do not count toward it. Last evaluated 2025-10-28.

Conditions:
DICER1-related tumor predisposition. Also called: DICER1 syndrome; DICER1-related pleuropulmonary blastoma cancer predisposition syndrome. Identifiers: Orphanet 284343, MedGen C3839822, MONDO:0100216.
Hereditary cancer-predisposing syndrome. Also called: Tumor predisposition; Hereditary neoplastic syndrome; Neoplastic Syndromes, Hereditary; Hereditary Cancer Syndrome. Identifiers: Orphanet 140162, MedGen C0027672, MeSH D009386, MONDO:0015356.

Allele frequency attached by ClinVar (database versions not stated): gnomAD exomes 0.00002 and 0.00008; TOPMed 0.00002; ExAC 0.00008.
gnomAD v4.1: 24 of 1,613,908 alleles (0.0015%); highest among the groups gnomAD compares: East Asian, 0.049%; no homozygotes.

Submissions (5):

ClinGen DICER1 and miRNA-Processing Gene Variant Curation Expert Panel, ClinGen
Classification: Likely benign for DICER1-related tumor predisposition. Last evaluated: 2025-10-28. Review status: reviewed by expert panel. Criteria: ClinGen DICER1 ACMG Specifications DICER1 V1.4.0. Collection method: curation. Allele origin: germline. Inheritance: Autosomal dominant inheritance.
Comment: The NM_177438.3:c.1013A>C variant in DICER1 is a missense variant predicted to cause substitution of glutamic acid by alanine at amino acid position 338 (p.Glu338Ala). Although this variant has been observed in individuals undergoing genetic sequencing, to our knowledge, this variant has not been reported in individuals with DICER1-related tumor predisposition (PS4 not met; PMID: 32973888, Internal lab contributors). This variant has been seen in 10 or more unrelated females without tumors through age 50 in at least one testing laboratory (BS2_Supporting; Internal lab contributors). The highest population minor allele frequency in gnomAD v4.1.0 is 0.00049 (22/44890 alleles) in East Asian population, which is higher than the ClinGen DICER1 VCEP threshold (>0.003) for BS1, and therefore meets this criterion (BS1). In silico tools predict no damaging impact of the variant on protein function (REVEL: 0.141; MaxEntScan and SpliceAI: no effect on splicing) (BP4). In summary, this variant meets the criteria to be classified as Likely Benign for DICER1-related tumor predisposition based on the ACMG/AMP criteria applied, as specified by the ClinGen DICER1 VCEP: BS1, BS2_Supporting, BP4. (Bayesian Points: -6; VCEP specifications version 1.4.0; 10/28/2025).

Labcorp Genetics (formerly Invitae), Labcorp
Classification: Likely benign for DICER1-related tumor predisposition. Last evaluated: 2026-01-26. Review status: criteria provided, single submitter. Criteria: Invitae Variant Classification Sherloc (09022015). Collection method: clinical testing. Allele origin: germline. Not counted in ClinVar's aggregate classification.

GeneDx
Classification: Uncertain significance. Last evaluated: 2023-03-29. Review status: criteria provided, single submitter. Criteria: GeneDx Variant Classification Process June 2021. Collection method: clinical testing. Allele origin: germline. Affected: yes. Not counted in ClinVar's aggregate classification.
Comment: In silico analysis supports that this missense variant does not alter protein structure/function; This variant is associated with the following publications: (PMID: 30093976, 24728327)

Ambry Genetics
Classification: Likely benign for Hereditary cancer-predisposing syndrome. Last evaluated: 2023-02-03. Review status: criteria provided, single submitter. Criteria: Ambry Variant Classification Scheme 2023. Collection method: clinical testing. Allele origin: germline. Not counted in ClinVar's aggregate classification.

ITMI
No classification provided. Condition: AllHighlyPenetrant. Last evaluated: 2013-09-19. Review status: no classification provided. Collection method: reference population. Allele origin: germline. Not counted in ClinVar's aggregate classification.
Comment: Please see associated publication for description of ethnicities

Literature cited by the submitters: PubMed 30093976 (cited by Ambry Genetics); PubMed 32973888 (cited by Ambry Genetics); PubMed 24728327 (cited by ITMI).